The following is an entry in ClinVar:

NM_000051.4(ATM):c.7630-7C>T

Genes: C11orf65 (chromosome 11 open reading frame 65; minus strand), ATM (ATM serine/threonine kinase; plus strand). Cytogenetic location: 11q22.3.
Variant type: single nucleotide variant.
Coding change: c.7630-7C>T on transcript NM_000051.4 (MANE Select); 7 bases into the intron before coding-DNA position 7630, C replaced by T.
Molecular consequence: intron variant.
Genome position (GRCh38, 1-based): chr11:108,331,872, C>T. VCF-style: chr11-108331872-C-T. GRCh37 (hg19) VCF-style: chr11-108202599-C-T.
Other names: c.7630-7C>T (NM_001351834.2); c.641-22801G>A (NM_001330368.2); c.*38+3348G>A (NM_001351110.2).
Identifiers: ClinVar variation 524460 (VCV000524460.12), dbSNP rs730881276, ClinGen allele CA658797733.

ClinVar aggregate classification (germline): Likely benign. Review status: criteria provided, multiple submitters, no conflicts (2 of 4 stars). 2 submissions from 2 submitters: Likely benign (2). Last evaluated 2026-01-05.

Conditions:
Ataxia-telangiectasia syndrome (AT). Also called: Cerebello-oculocutaneous telangiectasia; Immunodeficiency with ataxia telangiectasia; Ataxia-telangiectasia, complementation group E; Ataxia-telangiectasia, complementation group D; AT, COMPLEMENTATION GROUP C; ATAXIA-TELANGIECTASIA, COMPLEMENTATION GROUP A. Identifiers: Orphanet 100, MedGen C0004135, MONDO:0008840, OMIM 208900.
Familial cancer of breast. Also called: BREAST CANCER, FAMILIAL; Hereditary breast cancer; hereditary breast carcinoma. Identifiers: Orphanet 227535, MedGen C0346153, MONDO:0016419, OMIM 114480. Disease mechanism: loss of function.

gnomAD v4.1: 3 of 1,612,904 alleles (0.00019%); highest among the groups gnomAD compares: African/African-American, 0.0013%; no homozygotes.

Submissions (2):

Labcorp Genetics (formerly Invitae), Labcorp
Classification: Likely benign for Ataxia-telangiectasia syndrome. Last evaluated: 2026-01-05. Review status: criteria provided, single submitter. Criteria: Invitae Variant Classification Sherloc (09022015). Collection method: clinical testing. Allele origin: germline.

Myriad Genetics, Inc.
Classification: Likely benign for Familial cancer of breast. Last evaluated: 2024-06-17. Review status: criteria provided, single submitter. Criteria: Myriad Autosomal Dominant, Autosomal Recessive and X-Linked Classification Criteria (2023). Collection method: clinical testing. Allele origin: unknown.
Comment: This variant is considered likely benign. This variant is intronic and is not expected to impact mRNA splicing.